The following is an entry in ClinVar:

NM_001166108.2(PALLD):c.1915C>G (p.Leu639Val)

Gene: PALLD (palladin, cytoskeletal associated protein; plus strand). Cytogenetic location: 4q32.3.
Variant type: single nucleotide variant.
Coding change: c.1915C>G on transcript NM_001166108.2 (MANE Select); coding-DNA position 1915, C replaced by G.
Protein change: p.Leu639Val; replaces leucine 639 with valine.
Molecular consequence: missense variant.
Genome position (GRCh38, 1-based): chr4:168,711,874, C>G. VCF-style: chr4-168711874-C-G. GRCh37 (hg19) VCF-style: chr4-169633025-C-G.
Other names: c.769C>G, p.Leu257Val (NM_001166109.2); c.1915C>G, p.Leu639Val (NM_016081.4); short protein forms L639V, L257V.
Identifiers: ClinVar variation 2447336 (VCV002447336.2), dbSNP rs1784869001, ClinGen allele CA358798746.

ClinVar aggregate classification (germline): Uncertain significance (1 of 4 stars; one submission).

Allele frequency attached by ClinVar (database versions not stated): gnomAD exomes below 0.00001; TOPMed below 0.00001.
gnomAD v4.1: 6 of 1,614,128 alleles (0.00037%); highest among the groups gnomAD compares: Non-Finnish European, 0.00042%; no homozygotes.

Submission:

Ambry Genetics
Classification: Uncertain significance. Last evaluated: 2022-12-05. Review status: criteria provided, single submitter. Criteria: Ambry Variant Classification Scheme 2023. Collection method: clinical testing. Allele origin: germline.
Comment: The p.L639V variant (also known as c.1915C>G), located in coding exon 9 of the PALLD gene, results from a C to G substitution at nucleotide position 1915. The leucine at codon 639 is replaced by valine, an amino acid with highly similar properties. This amino acid position is conserved. In addition, this alteration is predicted to be tolerated by in silico analysis. Since supporting evidence is limited at this time, the clinical significance of this alteration remains unclear.